The following is an entry in ClinVar:

NM_003238.6(TGFB2):c.209T>C (p.Ile70Thr)

Gene: TGFB2 (transforming growth factor beta 2; plus strand). Cytogenetic location: 1q41.
Variant type: single nucleotide variant.
Coding change: c.209T>C on transcript NM_003238.6 (MANE Select); coding-DNA position 209, T replaced by C.
Protein change: p.Ile70Thr; replaces isoleucine 70 with threonine.
Molecular consequence: missense variant. On other transcripts: non-coding transcript variant (2).
Genome position (GRCh38, 1-based): chr1:218,346,910, T>C. VCF-style: chr1-218346910-T-C. GRCh37 (hg19) VCF-style: chr1-218520252-T-C.
Other names: c.209T>C, p.Ile70Thr (NM_001135599.4); short protein forms I70T.
Identifiers: ClinVar variation 408431 (VCV000408431.10), dbSNP rs1027195424, ClinGen allele CA16610001.

ClinVar aggregate classification (germline): Uncertain significance. Review status: criteria provided, multiple submitters, no conflicts (2 of 4 stars). 2 submissions from 2 submitters: Uncertain significance (2). Last evaluated 2021-08-30.

Conditions:
Loeys-Dietz syndrome 4 (LDS4). Also called: ANEURYSM, AORTIC AND CEREBRAL, WITH ARTERIAL TORTUOSITY AND SKELETAL MANIFESTATIONS; TGFB2-Related Loeys-Dietz Syndrome. Identifiers: MedGen C3553762, MONDO:0013897, OMIM 614816.
Familial thoracic aortic aneurysm and aortic dissection (TAAD). Also called: Thoracic aortic aneurysms and dissections. Identifiers: Orphanet 91387, MedGen C4707243, MONDO:0019625.

Allele frequency attached by ClinVar (database versions not stated): gnomAD exomes below 0.00001 and 0.00001; gnomAD 0.00001; TOPMed 0.00001.

Submissions (2):

Labcorp Genetics (formerly Invitae), Labcorp
Classification: Uncertain significance for Loeys-Dietz syndrome 4. Last evaluated: 2021-08-30. Review status: criteria provided, single submitter. Criteria: Invitae Variant Classification Sherloc (09022015). Collection method: clinical testing. Allele origin: germline.
Comment: This sequence change replaces isoleucine with threonine at codon 70 of the TGFB2 protein (p.Ile70Thr). The isoleucine residue is highly conserved and there is a moderate physicochemical difference between isoleucine and threonine. This variant is not present in population databases (ExAC no frequency). This variant has not been reported in the literature in individuals affected with TGFB2-related conditions. ClinVar contains an entry for this variant (Variation ID: 408431). Algorithms developed to predict the effect of missense changes on protein structure and function are either unavailable or do not agree on the potential impact of this missense change (SIFT: "Deleterious"; PolyPhen-2: "Benign"; Align-GVGD: "Class C65"). In summary, the available evidence is currently insufficient to determine the role of this variant in disease. Therefore, it has been classified as a Variant of Uncertain Significance.

Ambry Genetics
Classification: Uncertain significance for Familial thoracic aortic aneurysm and aortic dissection. Last evaluated: 2019-11-20. Review status: criteria provided, single submitter. Criteria: Ambry Variant Classification Scheme 2023. Collection method: clinical testing. Allele origin: germline.
Comment: The p.I70T variant (also known as c.209T>C), located in coding exon 1 of the TGFB2 gene, results from a T to C substitution at nucleotide position 209. The isoleucine at codon 70 is replaced by threonine, an amino acid with similar properties. This amino acid position is highly conserved in available vertebrate species. In addition, this alteration is predicted to be deleterious by in silico analysis. Since supporting evidence is limited at this time, the clinical significance of this alteration remains unclear.